The following is an entry in ClinVar:

NM_000264.5(PTCH1):c.4247T>G (p.Phe1416Cys)

Gene: PTCH1 (patched 1; minus strand). Cytogenetic location: 9q22.32.
Variant type: single nucleotide variant.
Coding change: c.4247T>G on transcript NM_000264.5 (MANE Select); coding-DNA position 4247, T replaced by G.
Protein change: p.Phe1416Cys; replaces phenylalanine 1416 with cysteine.
Molecular consequence: missense variant. On other transcripts: non-coding transcript variant (1).
Genome position (GRCh38, 1-based): chr9:95,447,009, A>C on the plus strand (T>G on the coding strand, the complement: PTCH1 is on the minus strand). VCF-style: chr9-95447009-A-C. GRCh37 (hg19) VCF-style: chr9-98209291-A-C.
Other names: c.4049T>G, p.Phe1350Cys (NM_001083602.3); c.4244T>G, p.Phe1415Cys (NM_001083603.3); c.3794T>G, p.Phe1265Cys (NM_001083604.3, NM_001083605.3, NM_001083606.3 and 1 more transcripts); c.4091T>G, p.Phe1364Cys (NM_001354918.2); short protein forms F1265C, F1350C, F1364C, F1415C, F1416C.
Identifiers: ClinVar variation 998472 (VCV000998472.9), dbSNP rs1837966836, ClinGen allele CA374110034.

ClinVar aggregate classification (germline): Uncertain significance (1 of 4 stars; one submission).

Conditions:
Gorlin syndrome. Also called: Basal cell nevus syndrome; Nevoid Basal Cell Carcinoma Syndrome. Identifiers: Orphanet 377, MedGen C0004779, MONDO:0007187.

Submission:

Labcorp Genetics (formerly Invitae), Labcorp
Classification: Uncertain significance for Gorlin syndrome. Last evaluated: 2024-06-30. Review status: criteria provided, single submitter. Criteria: Invitae Variant Classification Sherloc (09022015). Collection method: clinical testing. Allele origin: germline.
Comment: This sequence change replaces phenylalanine, which is neutral and non-polar, with cysteine, which is neutral and slightly polar, at codon 1416 of the PTCH1 protein (p.Phe1416Cys). This variant is not present in population databases (gnomAD no frequency). This variant has not been reported in the literature in individuals affected with PTCH1-related conditions. ClinVar contains an entry for this variant (Variation ID: 998472). Advanced modeling of protein sequence and biophysical properties (such as structural, functional, and spatial information, amino acid conservation, physicochemical variation, residue mobility, and thermodynamic stability) performed at Invitae indicates that this missense variant is not expected to disrupt PTCH1 protein function with a negative predictive value of 95%. In summary, the available evidence is currently insufficient to determine the role of this variant in disease. Therefore, it has been classified as a Variant of Uncertain Significance.